The following is an entry in ClinVar:

NM_022081.6(HPS4):c.1988A>C (p.Asn663Thr)

Gene: HPS4 (HPS4 biogenesis of lysosomal organelles complex 3 subunit 2; minus strand). Cytogenetic location: 22q12.1.
Variant type: single nucleotide variant.
Coding change: c.1988A>C on transcript NM_022081.6 (MANE Select); coding-DNA position 1988, A replaced by C.
Protein change: p.Asn663Thr; replaces asparagine 663 with threonine.
Molecular consequence: missense variant. On other transcripts: non-coding transcript variant (8), intron variant (2).
Genome position (GRCh38, 1-based): chr22:26,453,372, T>G on the plus strand (A>C on the coding strand, the complement: HPS4 is on the minus strand). VCF-style: chr22-26453372-T-G. GRCh37 (hg19) VCF-style: chr22-26849338-T-G.
Other names: c.1988A>C, p.Asn663Thr (NM_001349896.1, NM_001349898.2, NM_001349899.2); c.2042A>C, p.Asn681Thr (NM_001349900.2, NM_001349901.1); c.1746A>C, p.Gln582His (NM_001349902.1, NM_001349903.2); c.1973A>C, p.Asn658Thr (NM_152841.2); c.1955+4487A>C (NM_001349905.1, NM_001349904.2); short protein forms N658T, N663T, N681T, Q582H.
Identifiers: ClinVar variation 1397619 (VCV001397619.8), dbSNP rs776239550, ClinGen allele CA411023140.

ClinVar aggregate classification (germline): Uncertain significance (1 of 4 stars; one submission).

Submission:

Labcorp Genetics (formerly Invitae), Labcorp
Classification: Uncertain significance. Last evaluated: 2021-02-22. Review status: criteria provided, single submitter. Criteria: Invitae Variant Classification Sherloc (09022015). Collection method: clinical testing. Allele origin: germline.
Comment: Algorithms developed to predict the effect of missense changes on protein structure and function output the following: SIFT: "Tolerated"; PolyPhen-2: "Benign"; Align-GVGD: "Class C0". The threonine amino acid residue is found in multiple mammalian species, suggesting that this missense change does not adversely affect protein function. These predictions have not been confirmed by published functional studies and their clinical significance is uncertain. This variant has not been reported in the literature in individuals with HPS4-related conditions. This variant is not present in population databases (ExAC no frequency). This sequence change replaces asparagine with threonine at codon 663 of the HPS4 protein (p.Asn663Thr). The asparagine residue is moderately conserved and there is a small physicochemical difference between asparagine and threonine. In summary, the available evidence is currently insufficient to determine the role of this variant in disease. Therefore, it has been classified as a Variant of Uncertain Significance.